The following is an entry in ClinVar:

ClinVar aggregate classification (germline): Uncertain significance (1 of 4 stars; one submission).

gnomAD v4.1: 4 of 1,613,942 alleles (0.00025%); highest among the groups gnomAD compares: Non-Finnish European, 0.00034%; no homozygotes.

Submission:

Dasa
Classification: Uncertain significance. Last evaluated: 2026-02-24. Review status: criteria provided, single submitter. Criteria: DASA Assertion Criteria. Collection method: clinical testing. Allele origin: germline.
Comment: NM_001397473.1(MACF1):c.185T>C (p.Met62Thr) is a missense variant that results in the substitution of methionine with threonine. This variant is rare in population databases. The currently available literature and clinical evidence are not sufficient to establish a definitive association between this variant and the reported condition. Therefore, this variant is classified as a variant of uncertain significance.

NM_001394062.1(MACF1):c.15817-11924T>C

Genes: KIAA0754 (KIAA0754; plus strand), MACF1 (microtubule actin crosslinking factor 1; plus strand). Cytogenetic location: 1p34.3.
Variant type: single nucleotide variant.
Coding change: c.15817-11924T>C on transcript NM_001394062.1 (MANE Select); 11924 bases into the intron before coding-DNA position 15817, T replaced by C.
Molecular consequence: intron variant. On other transcripts: missense variant (1).
Genome position (GRCh38, 1-based): chr1:39,410,450, T>C. VCF-style: chr1-39410450-T-C. GRCh37 (hg19) VCF-style: chr1-39876122-T-C.
Other names: c.185T>C, p.Met62Thr (NM_001397473.1); c.9631-11924T>C (NM_012090.5); short protein forms M62T.
Identifiers: ClinVar variation 4885158 (VCV004885158.2).
Genomic context (GRCh38, chr1:39,410,450, plus strand): 5'-TGAGGATAAATGAGCAAATTGACCAGGGGTCAAAGCTTAACCAGACTTCAAAAAGCACCA[T>C]GGAAAAGATGGAAGGAAGTACTATATCCAGCAATGGTACATTAGGAGCAGCATCTAATGT-3'